The following is an entry in ClinVar:

ClinVar aggregate classification (germline): Uncertain significance (1 of 4 stars; one submission).

Conditions:
Hereditary cancer-predisposing syndrome. Also called: Hereditary Cancer Syndrome; Hereditary neoplastic syndrome; Neoplastic Syndromes, Hereditary; Tumor predisposition. Identifiers: Orphanet 140162, MedGen C0027672, MeSH D009386, MONDO:0015356.

Submission:

Ambry Genetics
Classification: Uncertain significance for Hereditary cancer-predisposing syndrome. Last evaluated: 2018-06-05. Review status: criteria provided, single submitter. Criteria: Ambry Variant Classification Scheme 2023. Collection method: clinical testing. Allele origin: germline.
Comment: The p.G454D variant (also known as c.1361G>A), located in coding exon 4 of the MSH6 gene, results from a G to A substitution at nucleotide position 1361. The glycine at codon 454 is replaced by aspartic acid, an amino acid with similar properties. This amino acid position is highly conserved in available vertebrate species. In addition, this alteration is predicted to be deleterious by in silico analysis. In addition, the CoDP in silico tool predicts this alteration to have likely impact on molecular function, with a score of 0.964 (Terui H et al. J. Biomed. Sci. 2013 Apr;20:25). Since supporting evidence is limited at this time, the clinical significance of this alteration remains unclear.

NM_000179.3(MSH6):c.1361G>A (p.Gly454Asp)

Gene: MSH6 (mutS homolog 6; plus strand). Cytogenetic location: 2p16.3.
Variant type: single nucleotide variant.
Coding change: c.1361G>A on transcript NM_000179.3 (MANE Select); coding-DNA position 1361, G replaced by A.
Protein change: p.Gly454Asp; replaces glycine 454 with aspartic acid.
Molecular consequence: missense variant.
Genome position (GRCh38, 1-based): chr2:47,799,344, G>A. VCF-style: chr2-47799344-G-A. GRCh37 (hg19) VCF-style: chr2-48026483-G-A.
Other names: c.1064G>A, p.Gly355Asp (NM_001406818.1, NM_001406821.1, NM_001406822.1 and 10 more transcripts); c.455G>A, p.Gly152Asp (NM_001406823.1, NM_001281493.2, NM_001281494.2 and 6 more transcripts); c.971G>A, p.Gly324Asp (NM_001281492.2); c.1457G>A, p.Gly486Asp (NM_001406795.1, NM_001406802.1); c.1361G>A, p.Gly454Asp (NM_001406796.1, NM_001406798.1, NM_001406800.1 and 4 more transcripts); c.836G>A, p.Gly279Asp (NM_001406799.1, NM_001406806.1, NM_001406807.1); c.1283G>A, p.Gly428Asp (NM_001406804.1); c.1367G>A, p.Gly456Asp (NM_001406813.1); and 1 more; short protein forms G279D, G428D, G456D, G355D, G454D, G152D, G324D, G398D.
Identifiers: ClinVar variation 1770847 (VCV001770847.2), dbSNP rs1386737742, ClinGen allele CA346744767.